The following is an entry in ClinVar:

NM_001165963.4(SCN1A):c.2911_2913del (p.Val971del)

Gene: SCN1A (sodium voltage-gated channel alpha subunit 1; minus strand). Cytogenetic location: 2q24.3.
Variant type: Deletion.
Coding change: c.2911_2913del on transcript NM_001165963.4 (MANE Select); coding-DNA positions 2911 to 2913, 3 bases deleted (GTC; older notation c.2911_2913delGTC).
Protein change: p.Val971del; deletes valine 971.
Molecular consequence: inframe deletion. On other transcripts: non-coding transcript variant (1).
Genome position (GRCh38, 1-based): chr2:166,037,809-166,037,811, GAC deleted on the plus strand (GTC on the coding strand, the reverse complement: SCN1A is on the minus strand). VCF-style (leftmost placement, unchanged base first): chr2-166037808-AGAC-A. GRCh37 (hg19) VCF-style: chr2-166894318-AGAC-A.
Other names: c.2827_2829del, p.Val943del (NM_001165964.3, NM_001353957.2, NM_001353958.2); c.2911_2913del, p.Val971del (NM_001202435.3, NM_001353948.2); c.2878_2880del, p.Val960del (NM_001353949.2, NM_001353950.2, NM_001353951.2 and 2 more transcripts); c.2875_2877del, p.Val959del (NM_001353954.2, NM_001353955.2); c.2824_2826del, p.Val942del (NM_001353960.2); c.469_471del, p.Val157del (NM_001353961.2); short protein forms V960del, V971del, V157del, V942del, V943del, V959del.
Identifiers: ClinVar variation 1504728 (VCV001504728.9), dbSNP rs2105805638, ClinGen allele CA2573133508.

ClinVar aggregate classification (germline): Pathogenic (1 of 4 stars; one submission).

Conditions:
Early-infantile DEE. Also called: Early infantile epileptic encephalopathy; Early infantile epileptic encephalopathy with suppression bursts; Ohtahara syndrome. Identifiers: Orphanet 1934, MedGen C0393706, MONDO:0800491.

Submission:

Labcorp Genetics (formerly Invitae), Labcorp
Classification: Pathogenic for Early-infantile DEE. Last evaluated: 2023-12-06. Review status: criteria provided, single submitter. Criteria: Invitae Variant Classification Sherloc (09022015). Collection method: clinical testing. Allele origin: germline.
Comment: This variant, c.2911_2913del, results in the deletion of 1 amino acid(s) of the SCN1A protein (p.Val971del), but otherwise preserves the integrity of the reading frame. This variant is not present in population databases (gnomAD no frequency). This variant has been observed in individual(s) with clinical features of SCN1A-related conditions (Invitae). In at least one individual the variant was observed to be de novo. This variant disrupts a region of the SCN1A protein in which other variant(s) (p.Val971Ile) have been determined to be pathogenic (PMID: 31875159, 32613771; Invitae). This suggests that this is a clinically significant region of the protein, and that variants that disrupt it are likely to be disease-causing. For these reasons, this variant has been classified as Pathogenic.

Literature cited by the submitters: PubMed 31875159; PubMed 32613771.